The following is an entry in ClinVar:

ClinVar aggregate classification (germline): Uncertain significance (1 of 4 stars; one submission).

Conditions:
Fabry disease. Also called: ALPHA-GALACTOSIDASE A DEFICIENCY; ANDERSON-FABRY DISEASE; CERAMIDE TRIHEXOSIDASE DEFICIENCY; GLA DEFICIENCY; HEREDITARY DYSTOPIC LIPIDOSIS; Angiokeratoma corporis diffusum. Identifiers: Orphanet 324, MedGen C0002986, MONDO:0010526, OMIM 301500, HP:0001071. Disease mechanism: Fabry disease is due to inactivating mutations in the X-linked GLA gene resulting in deficiency of the enzyme Alpha Galactosidase-A., loss of function.

Submission:

Genomenon, Inc
Classification: Uncertain significance for Fabry disease. Last evaluated: 2026-09-08. Review status: criteria provided, single submitter. Criteria: Genomenon Sequence Variant Interpretation Standards - Updated. Collection method: curation. Allele origin: germline. Affected: yes.
Comment: GLA p.Ala156_Ala160del (c.467_481del) is an in-frame deletion that results in the loss of multiple amino acids, from Alanine at codon 156 to Alanine at codon 160. This variant has been observed in at least one proband with clinical features consistent with Fabry disease (PMID:31392112). It is absent or not present at a significant frequency in gnomAD. In conclusion, we classify GLA p.Ala156_Ala160del (c.467_481del) as a variant of uncertain significance.

Literature cited by the submitters: PubMed 31392112.

NM_000169.3(GLA):c.467_481del (p.Ala156_Ala160del)

Genes: GLA (galactosidase alpha; minus strand), RPL36A-HNRNPH2 (RPL36A-HNRNPH2 readthrough; plus strand). Cytogenetic location: Xq22.1.
Variant type: Deletion.
Coding change: c.467_481del on transcript NM_000169.3 (MANE Select); coding-DNA positions 467 to 481, 15 bases deleted (CCCAGACCTTTGCTG).
Protein change: p.Ala156_Ala160del.
Molecular consequence: inframe deletion. On other transcripts: non-coding transcript variant (3), intron variant (2).
Genome position (GRCh38, 1-based): chrX:101,401,698-101,401,712, CAGCAAAGGTCTGGG deleted on the plus strand (CCCAGACCTTTGCTG on the coding strand, the reverse complement: GLA is on the minus strand); deleting any 15 consecutive bases within chrX:101,401,698-101,401,714 gives the same sequence; the c. name uses the placement nearest the transcript's 3' end. VCF-style (leftmost placement, unchanged base first): chrX-101401697-TCAGCAAAGGTCTGGG-T. GRCh37 (hg19) VCF-style: chrX-100656685-TCAGCAAAGGTCTGGG-T.
Other names: c.590_604del, p.Ala197_Ala201del (NM_001406747.1, NM_001406749.1); c.467_481del, p.Ala156_Ala160del (NM_001406748.1); c.300+6243_300+6257del (NM_001199973.2); c.177+9878_177+9892del (NM_001199974.2).
Identifiers: ClinVar variation 4087087 (VCV004087087.2).